The following is an entry in ClinVar:

NM_201384.3(PLEC):c.2257C>T (p.Arg753Cys)

Gene: PLEC (plectin; minus strand). Cytogenetic location: 8q24.3.
Variant type: single nucleotide variant.
Coding change: c.2257C>T on transcript NM_201384.3 (MANE Select); coding-DNA position 2257, C replaced by T.
Protein change: p.Arg753Cys; replaces arginine 753 with cysteine.
Molecular consequence: missense variant.
Genome position (GRCh38, 1-based): chr8:143,931,581, G>A on the plus strand (C>T on the coding strand, the complement: PLEC is on the minus strand). VCF-style: chr8-143931581-G-A. GRCh37 (hg19) VCF-style: chr8-145005749-G-A.
Other names: c.2338C>T, p.Arg780Cys (NM_000445.5); c.2215C>T, p.Arg739Cys (NM_201378.4); c.2191C>T, p.Arg731Cys (NM_201379.3); c.2668C>T, p.Arg890Cys (NM_201380.4); c.2161C>T, p.Arg721Cys (NM_201381.3); c.2257C>T, p.Arg753Cys (NM_201382.4); c.2269C>T, p.Arg757Cys (NM_201383.3); short protein forms R721C, R731C, R780C, R739C, R753C, R757C, R890C.
Identifiers: ClinVar variation 942824 (VCV000942824.7), dbSNP rs1827269646, ClinGen allele CA372576288.

ClinVar aggregate classification (germline): Uncertain significance (1 of 4 stars; one submission).

Conditions:
Epidermolysis bullosa simplex 5B, with muscular dystrophy (EBS5B). Also called: EPIDERMOLYSIS BULLOSA SIMPLEX AND LIMB-GIRDLE MUSCULAR DYSTROPHY; Epidermolysis bullosa simplex with muscular dystrophy. Identifiers: Orphanet 257, MedGen C2931072, MONDO:0009181, OMIM 226670.
Epidermolysis bullosa simplex with nail dystrophy (EBS5D). Identifiers: MedGen C4225309, MONDO:0014661, OMIM 616487.
Epidermolysis bullosa simplex, Ogna type (EBS5A). Also called: EPIDERMOLYSIS BULLOSA SIMPLEX 5A, OGNA TYPE; Pidermolysis bullosa simplex 5A, Ogna type. Identifiers: Orphanet 79401, MedGen C0432317, MONDO:0007555, OMIM 131950.
Autosomal recessive limb-girdle muscular dystrophy type 2Q (LGMDR17). Also called: MUSCULAR DYSTROPHY, LIMB-GIRDLE, AUTOSOMAL RECESSIVE 17. Identifiers: Orphanet 254361, MedGen C3150989, MONDO:0013390, OMIM 613723.
Epidermolysis bullosa simplex 5C, with pyloric atresia (EBS5C). Also called: Epidermolysis bullosa simplex with pyloric atresia; PLEC-Related Epidermolysis Bullosa with Pyloric Atresia; PLEC1-Related Epidermolysis Bullosa with Pyloric Atresia. Identifiers: Orphanet 158684, MedGen C2677349, MONDO:0012807, OMIM 612138.

Allele frequency attached by ClinVar (database versions not stated): TOPMed below 0.00001; gnomAD exomes 0.00001.
gnomAD v4.1: 9 of 1,598,118 alleles (0.00056%); highest among the groups gnomAD compares: African/African-American, 0.0013%; no homozygotes.

Submission:

Labcorp Genetics (formerly Invitae), Labcorp
Classification: Uncertain significance for Autosomal recessive limb-girdle muscular dystrophy type 2Q; Epidermolysis bullosa simplex, Ogna type; Epidermolysis bullosa simplex with nail dystrophy; Epidermolysis bullosa simplex 5C, with pyloric atresia; Epidermolysis bullosa simplex 5B, with muscular dystrophy. Last evaluated: 2021-04-21. Review status: criteria provided, single submitter. Criteria: Invitae Variant Classification Sherloc (09022015). Collection method: clinical testing. Allele origin: germline.
Comment: This sequence change replaces arginine with cysteine at codon 780 of the PLEC protein (p.Arg780Cys). The arginine residue is highly conserved and there is a large physicochemical difference between arginine and cysteine. This variant is not present in population databases (ExAC no frequency). In summary, the available evidence is currently insufficient to determine the role of this variant in disease. Therefore, it has been classified as a Variant of Uncertain Significance. Algorithms developed to predict the effect of missense changes on protein structure and function are either unavailable or do not agree on the potential impact of this missense change (SIFT: "Deleterious"; PolyPhen-2: "Not Available"; Align-GVGD: "Class C65"). This variant has not been reported in the literature in individuals with PLEC-related conditions.